The following is an entry in ClinVar:

NM_138387.4(G6PC3):c.572C>T (p.Pro191Leu)

Gene: G6PC3 (glucose-6-phosphatase catalytic subunit 3; plus strand). Cytogenetic location: 17q21.31.
Variant type: single nucleotide variant.
Coding change: c.572C>T on transcript NM_138387.4 (MANE Select); coding-DNA position 572, C replaced by T.
Protein change: p.Pro191Leu; replaces proline 191 with leucine.
Molecular consequence: missense variant. On other transcripts: synonymous variant (1).
Genome position (GRCh38, 1-based): chr17:44,075,346, C>T. VCF-style: chr17-44075346-C-T. GRCh37 (hg19) VCF-style: chr17-42152714-C-T.
Other names: c.453C>T, p.Ala151= (NM_001319945.2); c.227C>T, p.Pro76Leu (NM_001384165.1, NM_001384166.1, NM_001384167.1 and 1 more transcripts); short protein forms P191L, P76L.
Identifiers: ClinVar variation 4027591 (VCV004027591.1).

ClinVar aggregate classification (germline): Uncertain significance (1 of 4 stars; one submission).

Conditions:
Inborn genetic diseases. Identifiers: MedGen C0950123, MeSH D030342.

Submission:

Ambry Genetics
Classification: Uncertain significance for Inborn genetic diseases. Last evaluated: 2025-04-28. Review status: criteria provided, single submitter. Criteria: Ambry Variant Classification Scheme 2023. Collection method: clinical testing. Allele origin: germline.
Comment: The p.P191L variant (also known as c.572C>T), located in coding exon 5 of the G6PC3 gene, results from a C to T substitution at nucleotide position 572. The proline at codon 191 is replaced by leucine, an amino acid with similar properties. This amino acid position is conserved. In addition, the in silico prediction for this alteration is inconclusive. Based on the available evidence, the clinical significance of this variant remains unclear.